The following is an entry in ClinVar:

NM_000321.3(RB1):c.1294A>G (p.Lys432Glu)

Gene: RB1 (RB transcriptional corepressor 1; plus strand). Cytogenetic location: 13q14.2.
Variant type: single nucleotide variant.
Coding change: c.1294A>G on transcript NM_000321.3 (MANE Select); coding-DNA position 1294, A replaced by G.
Protein change: p.Lys432Glu; replaces lysine 432 with glutamic acid.
Molecular consequence: missense variant.
Genome position (GRCh38, 1-based): chr13:48,376,996, A>G. VCF-style: chr13-48376996-A-G. GRCh37 (hg19) VCF-style: chr13-48951132-A-G.
Other names: c.1294A>G, p.Lys432Glu (NM_001407165.1, NM_001407166.1); short protein forms K432E.
Identifiers: ClinVar variation 2891399 (VCV002891399.6), dbSNP rs1566197747, ClinGen allele CA388162112.
Genomic context (GRCh38, chr13:48,376,996, plus strand): 5'-AAAGAAAGTATACTGAAAAGAGTGAAGGATATAGGATACATCTTTAAAGAGAAATTTGCT[A>G]AAGCTGTGGGACAGGGTTGTGTCGAAATTGGATCACAGGTAACTTGAATTCATTGTAATT-3'
Protein context (NP_000312.2, residues 422-442): IGYIFKEKFA[Lys432Glu]AVGQGCVEIG

ClinVar aggregate classification (germline): Conflicting classifications of pathogenicity. Review status: criteria provided, conflicting classifications (1 of 4 stars). 3 submissions from 3 submitters: Uncertain significance (2); Likely benign (1). Last evaluated 2026-05-06.

Conditions:
Hereditary cancer-predisposing syndrome. Also called: Hereditary neoplastic syndrome; Neoplastic Syndromes, Hereditary; Tumor predisposition; Hereditary Cancer Syndrome. Identifiers: Orphanet 140162, MedGen C0027672, MeSH D009386, MONDO:0015356.
Retinoblastoma (RB1). Also called: RETINOBLASTOMA, SOMATIC. Identifiers: Orphanet 790, MedGen C0035335, MeSH D012175, MONDO:0008380, OMIM 180200, HP:0009919. Disease mechanism: loss of function. Inheritance: Both sporadic and heritable forms are tested..

Allele frequency attached by ClinVar (database versions not stated): gnomAD exomes below 0.00001; TOPMed below 0.00001.
gnomAD v4.1: 2 of 1,613,850 alleles (0.00012%); highest among the groups gnomAD compares: Non-Finnish European, 0.00017%; no homozygotes.

Submissions (3):

Ambry Genetics
Classification: Likely benign for Hereditary cancer-predisposing syndrome. Last evaluated: 2026-05-06. Review status: criteria provided, single submitter. Criteria: Ambry Variant Classification Scheme 2023. Collection method: clinical testing. Allele origin: germline.

Labcorp Genetics (formerly Invitae), Labcorp
Classification: Uncertain significance for Retinoblastoma. Last evaluated: 2023-10-20. Review status: criteria provided, single submitter. Criteria: Invitae Variant Classification Sherloc (09022015). Collection method: clinical testing. Allele origin: germline.
Comment: This sequence change replaces lysine, which is basic and polar, with glutamic acid, which is acidic and polar, at codon 432 of the RB1 protein (p.Lys432Glu). This variant is not present in population databases (gnomAD no frequency). This variant has not been reported in the literature in individuals affected with RB1-related conditions. Advanced modeling of protein sequence and biophysical properties (such as structural, functional, and spatial information, amino acid conservation, physicochemical variation, residue mobility, and thermodynamic stability) performed at Invitae indicates that this missense variant is not expected to disrupt RB1 protein function. In summary, the available evidence is currently insufficient to determine the role of this variant in disease. Therefore, it has been classified as a Variant of Uncertain Significance.

All of Us Research Program, National Institutes of Health
Classification: Uncertain significance for Retinoblastoma. Last evaluated: 2023-07-10. Review status: criteria provided, single submitter. Criteria: ACMG Guidelines, 2015. Collection method: clinical testing. Allele origin: germline. Inheritance: Autosomal dominant inheritance. Observed: 1 variant allele, 1 heterozygote.
Comment: This missense variant replaces lysine with glutamic acid at codon 432 of the RB1 protein. Computational prediction suggests that this variant may not impact protein structure and function (internally defined REVEL score threshold <= 0.5, PMID: 27666373). To our knowledge, functional studies have not been reported for this variant. This variant has not been reported in individuals affected with RB1-related disorders in the literature. This variant has not been identified in the general population by the Genome Aggregation Database (gnomAD). The available evidence is insufficient to determine the role of this variant in disease conclusively. Therefore, this variant is classified as a Variant of Uncertain Significance.

This study involves interpretation of variants in research participants for the purpose of population health screening. Participant phenotype was not available at the time of variant classification. Additional details can be found in publication PMID: 35346344, PMCID: PMC8962531